The following is an entry in ClinVar:

NM_005633.4(SOS1):c.1690G>A (p.Glu564Lys)

Gene: SOS1 (SOS Ras/Rac guanine nucleotide exchange factor 1; minus strand). Cytogenetic location: 2p22.1.
Variant type: single nucleotide variant.
Coding change: c.1690G>A on transcript NM_005633.4 (MANE Select); coding-DNA position 1690, G replaced by A.
Protein change: p.Glu564Lys; replaces glutamic acid 564 with lysine.
Molecular consequence: missense variant.
Genome position (GRCh38, 1-based): chr2:39,022,738, C>T on the plus strand (G>A on the coding strand, the complement: SOS1 is on the minus strand). VCF-style: chr2-39022738-C-T. GRCh37 (hg19) VCF-style: chr2-39249879-C-T.
Other names: c.1669G>A, p.Glu557Lys (NM_001382394.1); c.1690G>A, p.Glu564Lys (NM_001382395.1); short protein forms E557K, E564K.
Identifiers: ClinVar variation 1312787 (VCV001312787.12), dbSNP rs1386900583, ClinGen allele CA346365610.
Genomic context (GRCh38, chr2:39,022,738, plus strand): 5'-CTTCAGAGTCAGGCTCTGCAAATCTATAAACATCAGCACTAGGCAGCCTCATCTGCTCCT[C>T]TTTCTCTTCCTGTAGCATTGTTACATCAAGCATCCTTTCCAGTGTACTCCGGTACTGTAA-3'
Protein context (NP_005624.2, residues 554-574): LDVTMLQEEK[Glu564Lys]EQMRLPSADV

ClinVar aggregate classification (germline): Uncertain significance. Review status: criteria provided, multiple submitters, no conflicts (2 of 4 stars). 6 submissions from 5 submitters: Uncertain significance (6). Last evaluated 2025-04-08.

Conditions:
RASopathy. Also called: rasopathies; Noonan spectrum disorder. Identifiers: Orphanet 536391, MedGen C5555857, MONDO:0021060.
Cardiovascular phenotype. Identifiers: MedGen CN230736.
Noonan syndrome 4 (NS4). Also called: SOS1-Related Noonan Syndrome; NOONAN SYNDROME WITH PIGMENTED VILLONODULAR SYNOVITIS. Identifiers: Orphanet 648, MedGen C1853120, MONDO:0012547, OMIM 610733.
Fibromatosis, gingival, 1 (GINGF1). Identifiers: Orphanet 2024, MedGen C4551558, MONDO:0007609, OMIM 135300.

Allele frequency attached by ClinVar (database versions not stated): gnomAD exomes below 0.00001.

Submissions (6):

Labcorp Genetics (formerly Invitae), Labcorp
Classification: Uncertain significance for RASopathy. Last evaluated: 2025-04-08. Review status: criteria provided, single submitter. Criteria: Invitae Variant Classification Sherloc (09022015). Collection method: clinical testing. Allele origin: germline.
Comment: This sequence change replaces glutamic acid, which is acidic and polar, with lysine, which is basic and polar, at codon 564 of the SOS1 protein (p.Glu564Lys). This variant is present in population databases (no rsID available, gnomAD 0.003%). This variant has not been reported in the literature in individuals affected with SOS1-related conditions. ClinVar contains an entry for this variant (Variation ID: 1312787). Invitae Evidence Modeling of protein sequence and biophysical properties (such as structural, functional, and spatial information, amino acid conservation, physicochemical variation, residue mobility, and thermodynamic stability) has been performed for this missense variant. However, the output from this modeling did not meet the statistical confidence thresholds required to predict the impact of this variant on SOS1 protein function. In summary, the available evidence is currently insufficient to determine the role of this variant in disease. Therefore, it has been classified as a Variant of Uncertain Significance.

Ambry Genetics
Classification: Uncertain significance for Cardiovascular phenotype. Last evaluated: 2024-10-25. Review status: criteria provided, single submitter. Criteria: Ambry Variant Classification Scheme 2023. Collection method: clinical testing. Allele origin: germline.
Comment: The p.E564K variant (also known as c.1690G>A), located in coding exon 10 of the SOS1 gene, results from a G to A substitution at nucleotide position 1690. The glutamic acid at codon 564 is replaced by lysine, an amino acid with similar properties. This amino acid position is well conserved in available vertebrate species. In addition, the in silico prediction for this alteration is inconclusive. Based on the available evidence, the clinical significance of this variant remains unclear.

Women's Health and Genetics/Laboratory Corporation of America, LabCorp
Classification: Uncertain significance. Last evaluated: 2022-09-05. Review status: criteria provided, single submitter. Criteria: LabCorp Variant Classification Summary - May 2015. Collection method: clinical testing. Allele origin: germline.

GeneDx
Classification: Uncertain significance. Last evaluated: 2021-02-25. Review status: criteria provided, single submitter. Criteria: GeneDx Variant Classification Process June 2021. Collection method: clinical testing. Allele origin: germline. Affected: yes.
Comment: Missense variants in this gene are often considered pathogenic (Stenson et al., 2014); In silico analysis supports that this missense variant does not alter protein structure/function; Has not been previously published as pathogenic or benign to our knowledge

Genome-Nilou Lab
Classification: Uncertain significance for Noonan syndrome 4. Review status: criteria provided, single submitter. Criteria: ACMG Guidelines, 2015. Collection method: clinical testing. Allele origin: germline.

Genome-Nilou Lab
Classification: Uncertain significance for Fibromatosis, gingival, 1. Review status: criteria provided, single submitter. Criteria: ACMG Guidelines, 2015. Collection method: clinical testing. Allele origin: germline.